The following is an entry in ClinVar:

NM_018082.6(POLR3B):c.3023A>G (p.Tyr1008Cys)

Genes: POLR3B (RNA polymerase III subunit B; plus strand), RFX4-AS1 (RFX4 antisense RNA 1; minus strand). Cytogenetic location: 12q23.3.
Variant type: single nucleotide variant.
Coding change: c.3023A>G on transcript NM_018082.6 (MANE Select); coding-DNA position 3023, A replaced by G.
Protein change: p.Tyr1008Cys; replaces tyrosine 1008 with cysteine.
Molecular consequence: missense variant.
Genome position (GRCh38, 1-based): chr12:106,501,361, A>G. VCF-style: chr12-106501361-A-G. GRCh37 (hg19) VCF-style: chr12-106895139-A-G.
Other names: c.2849A>G, p.Tyr950Cys (NM_001160708.2); short protein forms Y1008C, Y950C.
Identifiers: ClinVar variation 1714800 (VCV001714800.5), dbSNP rs2542245976, ClinGen allele CA386393547.
Genomic context (GRCh38, chr12:106,501,361, plus strand): 5'-CAACAATTGATCTTTCTTTCAGTGAGCCCTTAGAAGCATACATCTATTTTGGCCCCGTGT[A>G]CTATCAGAAGCTGAAACACATGGTGCTAGATAAAATGCATGCCCGGGCCCGGGGCCCACG-3'
Protein context (NP_060552.4, residues 998-1018): LEAYIYFGPV[Tyr1008Cys]YQKLKHMVLD

ClinVar aggregate classification (germline): Uncertain significance (1 of 4 stars; one submission).

Submission:

Labcorp Genetics (formerly Invitae), Labcorp
Classification: Uncertain significance. Last evaluated: 2022-08-02. Review status: criteria provided, single submitter. Criteria: Invitae Variant Classification Sherloc (09022015). Collection method: clinical testing. Allele origin: germline.
Comment: This variant has not been reported in the literature in individuals affected with POLR3B-related conditions. In summary, the available evidence is currently insufficient to determine the role of this variant in disease. Therefore, it has been classified as a Variant of Uncertain Significance. Algorithms developed to predict the effect of missense changes on protein structure and function (SIFT, PolyPhen-2, Align-GVGD) all suggest that this variant is likely to be disruptive. This variant is not present in population databases (gnomAD no frequency). This sequence change replaces tyrosine, which is neutral and polar, with cysteine, which is neutral and slightly polar, at codon 1008 of the POLR3B protein (p.Tyr1008Cys).